The following is an entry in ClinVar:

ClinVar aggregate classification (germline): Likely benign (1 of 4 stars; one submission).

Submission:

GeneDx
Classification: Likely benign. Last evaluated: 2019-08-06. Review status: criteria provided, single submitter. Criteria: GeneDx Variant Classification Process June 2021. Collection method: clinical testing. Allele origin: germline. Affected: yes.
Comment: See Variant Classification Assertion Criteria.

NM_004994.3(MMP9):c.372-152_372-151insCAAACAAACA

Gene: MMP9 (matrix metallopeptidase 9; plus strand). Cytogenetic location: 20q13.12.
Variant type: Microsatellite.
Coding change: c.372-152_372-151insCAAACAAACA on transcript NM_004994.3 (MANE Select); 152 bases into the intron before coding-DNA position 372 through 151 bases into the intron before coding-DNA position 372, CAAACAAACA inserted.
Molecular consequence: intron variant.
Genome position: GRCh38 VCF-style: chr20-46010330-A-AACAAACAAAC. GRCh37 (hg19) VCF-style: chr20-44638969-A-AACAAACAAAC.
Identifiers: ClinVar variation 2502568 (VCV002502568.1), dbSNP rs1568846616.
Genomic context (GRCh38, chr20:46,010,330, plus strand): 5'-CTCTTGCAATCCAAGTCCTCCTGCCAGGGCCATTGTGAGGGTCTAAGTAGACAAAAAAAA[A>AACAAACAAAC]AAAAAAAAAAACAGTCTGGAAGCAATTTATAGATGAGAGCGTGGACGGCAGAGAGCATTG-3'